The following is an entry in ClinVar:

NM_000256.3(MYBPC3):c.2284G>C (p.Val762Leu)

Gene: MYBPC3 (myosin binding protein C3; minus strand). Cytogenetic location: 11p11.2.
Variant type: single nucleotide variant.
Coding change: c.2284G>C on transcript NM_000256.3 (MANE Select); coding-DNA position 2284, G replaced by C.
Protein change: p.Val762Leu; replaces valine 762 with leucine.
Molecular consequence: missense variant.
Genome position (GRCh38, 1-based): chr11:47,338,544, C>G on the plus strand (G>C on the coding strand, the complement: MYBPC3 is on the minus strand). VCF-style: chr11-47338544-C-G. GRCh37 (hg19) VCF-style: chr11-47360095-C-G.
Other names: short protein forms V762L.
Identifiers: ClinVar variation 4728344 (VCV004728344.1).
Genomic context (GRCh38, chr11:47,338,544, plus strand): 5'-TCTGTGTTCTCCAGCTTGGACCCCGGCCGGCCTCACCGATGACCTTGACTGTGAGGTTGA[C>G]CTGGTCCTCGCCCACAGGGTTCTTCACTGTGACCGTGTAGACGCCCTCATCTTCCTTCTC-3'
Protein context (NP_000247.2, residues 752-772): TVKNPVGEDQ[Val762Leu]NLTVKVIDVP

ClinVar aggregate classification (germline): Uncertain significance (1 of 4 stars; one submission).

Conditions:
Hypertrophic cardiomyopathy. Also called: HYPERTROPHIC MYOCARDIOPATHY. Identifiers: Orphanet 217569, MedGen C0007194, MeSH D002312, MONDO:0005045, HP:0001639.

gnomAD v4.1: 1 of 1,614,046 alleles (0.000062%); highest among the groups gnomAD compares: African/African-American, 0.0013%; no homozygotes.

Submission:

Labcorp Genetics (formerly Invitae), Labcorp
Classification: Uncertain significance for Hypertrophic cardiomyopathy. Last evaluated: 2025-10-02. Review status: criteria provided, single submitter. Criteria: Invitae Variant Classification Sherloc (09022015). Collection method: clinical testing. Allele origin: germline.
Comment: This sequence change replaces valine, which is neutral and non-polar, with leucine, which is neutral and non-polar, at codon 762 of the MYBPC3 protein (p.Val762Leu). This variant is not present in population databases (gnomAD no frequency). This variant has not been reported in the literature in individuals affected with MYBPC3-related conditions. An algorithm developed to predict the effect of missense changes on protein structure and function (PolyPhen-2) suggests that this variant is likely to be tolerated. This variant disrupts the p.Val762 amino acid residue in MYBPC3. Other variant(s) that disrupt this residue have been determined to be pathogenic (PMID: 25281569). This suggests that this residue is clinically significant, and that variants that disrupt this residue are likely to be disease-causing. In summary, the available evidence is currently insufficient to determine the role of this variant in disease. Therefore, it has been classified as a Variant of Uncertain Significance.

Literature cited by the submitters: PubMed 25281569.